The following is an entry in ClinVar:

NM_198075.4(LRRC56):c.1267C>T (p.His423Tyr)

Gene: LRRC56 (leucine rich repeat containing 56; plus strand). Cytogenetic location: 11p15.5.
Variant type: single nucleotide variant.
Coding change: c.1267C>T on transcript NM_198075.4 (MANE Select); coding-DNA position 1267, C replaced by T.
Protein change: p.His423Tyr; replaces histidine 423 with tyrosine.
Molecular consequence: missense variant.
Genome position (GRCh38, 1-based): chr11:552,654, C>T. VCF-style: chr11-552654-C-T. GRCh37 (hg19) VCF-style: chr11-552654-C-T.
Other names: c.1267C>T (NM_198075.3); short protein forms H423Y.
Identifiers: ClinVar variation 1487824 (VCV001487824.7), dbSNP rs149374711, ClinGen allele CA5780034.
Genomic context (GRCh38, chr11:552,654, plus strand): 5'-TCCCAACAGGAAGGGGCTGTAGCCCCCTGGGGCCCACGGAGGGTCCCTGAAGAGCAAGTG[C>T]ACCAGGCAGAGCCCAAGACTCCCTCCAGCCCCCCAAGCCTGGCCTCAGGTACTGAGCCTG-3'
Protein context (NP_932341.1, residues 413-433): GPRRVPEEQV[His423Tyr]QAEPKTPSSP

ClinVar aggregate classification (germline): Uncertain significance. Review status: criteria provided, multiple submitters, no conflicts (2 of 4 stars). 3 submissions from 3 submitters: Uncertain significance (3). Last evaluated 2025-10-24.

Allele frequency attached by ClinVar (database versions not stated): gnomAD exomes below 0.00001; ExAC 0.00001; gnomAD 0.00001; TOPMed 0.00002; ESP Exome Variant Server 0.00008.
gnomAD v4.1: 3 of 1,611,564 alleles (0.00019%); highest among the groups gnomAD compares: African/African-American, 0.0027%; no homozygotes.

Submissions (3):

Ambry Genetics
Classification: Uncertain significance. Last evaluated: 2025-10-24. Review status: criteria provided, single submitter. Criteria: Ambry Variant Classification Scheme 2023. Collection method: clinical testing. Allele origin: germline.

Women's Health and Genetics/Laboratory Corporation of America, LabCorp
Classification: Uncertain significance. Last evaluated: 2024-12-05. Review status: criteria provided, single submitter. Criteria: LabCorp Variant Classification Summary - May 2015. Collection method: clinical testing. Allele origin: germline.
Comment: Variant summary: LRRC56 c.1267C>T (p.His423Tyr) results in a conservative amino acid change in the encoded protein sequence. Five of five in-silico tools predict a benign effect of the variant on protein function. The variant allele was found at a frequency of 4e-06 in 247506 control chromosomes. The available data on variant occurrences in the general population are insufficient to allow any conclusion about variant significance. To our knowledge, no occurrence of c.1267C>T in individuals affected with Ciliary Dyskinesia, Primary, 39 and no experimental evidence demonstrating its impact on protein function have been reported. ClinVar contains an entry for this variant (Variation ID: 1487824). Based on the evidence outlined above, the variant was classified as uncertain significance.

Labcorp Genetics (formerly Invitae), Labcorp
Classification: Uncertain significance. Last evaluated: 2021-08-31. Review status: criteria provided, single submitter. Criteria: Invitae Variant Classification Sherloc (09022015). Collection method: clinical testing. Allele origin: germline.
Comment: This sequence change replaces histidine with tyrosine at codon 423 of the LRRC56 protein (p.His423Tyr). The histidine residue is weakly conserved and there is a moderate physicochemical difference between histidine and tyrosine. This variant is present in population databases (rs149374711, ExAC 0.01%). This variant has not been reported in the literature in individuals affected with LRRC56-related conditions. Algorithms developed to predict the effect of missense changes on protein structure and function (SIFT, PolyPhen-2, Align-GVGD) all suggest that this variant is likely to be tolerated. In summary, the available evidence is currently insufficient to determine the role of this variant in disease. Therefore, it has been classified as a Variant of Uncertain Significance.